The following is an entry in ClinVar:

NM_000218.3(KCNQ1):c.820A>G (p.Ile274Val)

Gene: KCNQ1 (potassium voltage-gated channel subfamily Q member 1; plus strand). Cytogenetic location: 11p15.5.
Variant type: single nucleotide variant.
Coding change: c.820A>G on transcript NM_000218.3 (MANE Select); coding-DNA position 820, A replaced by G.
Protein change: p.Ile274Val; replaces isoleucine 274 with valine.
Molecular consequence: missense variant.
Genome position (GRCh38, 1-based): chr11:2,572,885, A>G. VCF-style: chr11-2572885-A-G. GRCh37 (hg19) VCF-style: chr11-2594115-A-G.
Other names: p.I274V:ATC>GTC; c.820A>G (LRG_287t1); c.820A>G, p.Ile274Val (NM_001406836.1); c.550A>G, p.Ile184Val (NM_001406837.1); c.439A>G, p.Ile147Val (NM_181798.2); short protein forms I274V, I147V, I184V.
Identifiers: ClinVar variation 67109 (VCV000067109.46), dbSNP rs199472728, ClinGen allele CA008353.

ClinVar aggregate classification (germline): Conflicting classifications of pathogenicity. Review status: criteria provided, conflicting classifications (1 of 4 stars). 15 submissions from 12 submitters: Uncertain significance (8); Benign (1); Likely benign (4). 2 of the submissions do not count toward it. Last evaluated 2026-01-05.

Conditions:
Cardiovascular phenotype. Identifiers: MedGen CN230736.
Cardiac arrhythmia. Also called: Arrhythmia; Cardiac rhythm disease. Identifiers: MedGen C0003811, MONDO:0007263, HP:0011675.
Familial long QT syndrome (RWS). Also called: Congenital long QT syndrome; Romano-Ward syndrome; VENTRICULAR FIBRILLATION WITH PROLONGED QT INTERVAL. Identifiers: Orphanet 768, MedGen C1141890, MONDO:0019171.
Long QT syndrome (LQTS). Identifiers: MedGen C0023976, MeSH D008133, MONDO:0002442. Disease mechanism: loss of function. Inheritance: Various modes of inheritance.
Atrial fibrillation, familial, 3 (ATFB3). Identifiers: MedGen C1837014, MONDO:0011857, OMIM 607554.
SUDDEN INFANT DEATH SYNDROME (SIDS). Also called: Sudden Infant Death. Identifiers: MedGen C0038644, MeSH D013398, OMIM 272120.
Jervell and Lange-Nielsen syndrome 1 (JLNS1). Also called: CARDIOAUDITORY SYNDROME OF JERVELL AND LANGE-NIELSEN; DEAFNESS, CONGENITAL, AND FUNCTIONAL HEART DISEASE; PROLONGED QT INTERVAL IN EKG AND SUDDEN DEATH; SURDO-CARDIAC SYNDROME. Identifiers: Orphanet 768, Orphanet 90647, MedGen C4551509, MONDO:0024540, OMIM 220400.
Short QT syndrome type 2. Identifiers: Orphanet 51083, MedGen C1865019, MONDO:0012313, OMIM 609621.
Long QT syndrome 1 (LQT1). Identifiers: Orphanet 101016, Orphanet 768, MedGen C4551647, MONDO:0100316, OMIM 192500, MONDO:0008646.

Allele frequency attached by ClinVar (database versions not stated): ESP Exome Variant Server 0.00008; TOPMed 0.00011; gnomAD exomes 0.00018 and 0.00021; gnomAD 0.00013; ExAC 0.00026.
gnomAD v4.1: 321 of 1,613,666 alleles (0.02%); highest among the groups gnomAD compares: Non-Finnish European, 0.023%; no homozygotes.

Submissions 1 to 10 of 15:

Labcorp Genetics (formerly Invitae), Labcorp
Classification: Likely benign for Long QT syndrome. Last evaluated: 2026-01-05. Review status: criteria provided, single submitter. Criteria: Invitae Variant Classification Sherloc (09022015). Collection method: clinical testing. Allele origin: germline.

Women's Health and Genetics/Laboratory Corporation of America, LabCorp
Classification: Likely benign. Last evaluated: 2025-10-30. Review status: criteria provided, single submitter. Criteria: LabCorp Variant Classification Summary - May 2015. Collection method: clinical testing. Allele origin: germline.
Comment: Variant summary: KCNQ1 c.820A>G (p.Ile274Val) results in a conservative amino acid change in the encoded protein sequence. Algorithms developed to predict the effect of missense changes on protein structure and function are either unavailable or do not agree on the potential impact of this missense change. The variant allele was found at a frequency of 0.00018 in 250462 control chromosomes, predominantly at a frequency of 0.00026 within the Non-Finnish European subpopulation in the gnomAD database. The observed variant frequency within Non-Finnish European control individuals in the gnomAD database exceeds the estimated maximal expected allele frequency for disease-causing variants in KCNQ1. c.820A>G has been observed in individual(s) affected with sudden infant death syndrome and stillbirth without strong evidence for causality (Arnestad_2007, Sahlin_2020). These report(s) do not provide unequivocal conclusions about association of the variant with Long QT Syndrome With Sudden Cardiac Death. At least one publication reports experimental evidence evaluating an impact on protein function. These results showed the variant may result in gain-of-function by increased current density and faster activation (Rhodes_2008), however the variant showed a similar trafficking efficiency to cellular surface as wild-type (Huang_2021). The following publications have been ascertained in the context of this evaluation (PMID: 17210839, 32048431, 33600800, 30935642, 18222468, 30615648). ClinVar contains an entry for this variant (Variation ID: 67109). Based on the evidence outlined above, the variant was classified as likely benign.

Color Diagnostics, LLC DBA Color Health
Classification: Likely benign for Cardiac arrhythmia. Last evaluated: 2024-11-15. Review status: criteria provided, single submitter. Criteria: ACMG Guidelines, 2015. Collection method: clinical testing. Allele origin: germline.

CeGaT Center for Human Genetics Tuebingen
Classification: Uncertain significance. Last evaluated: 2024-10-01. Review status: criteria provided, single submitter. Criteria: CeGaT Center For Human Genetics Tuebingen Variant Classification Criteria Version 2. Collection method: clinical testing. Allele origin: germline. Affected: yes. Observed: 1 variant allele.
Comment: KCNQ1: PM5

Blueprint Genetics
Classification: Uncertain significance. Last evaluated: 2024-09-10. Review status: criteria provided, single submitter. Criteria: ACMG Guidelines, 2015. Collection method: clinical testing. Allele origin: germline.

All of Us Research Program, National Institutes of Health
Classification: Uncertain significance for Long QT syndrome. Last evaluated: 2024-02-05. Review status: criteria provided, single submitter. Criteria: ACMG Guidelines, 2015. Collection method: clinical testing. Allele origin: germline. Inheritance: Autosomal dominant inheritance. Observed: 10 variant alleles, 10 heterozygotes.
Comment: This missense variant replaces isoleucine with valine at codon 274 of the KCNQ1 protein. Computational prediction suggests that this variant may have deleterious impact on protein structure and function (internally defined REVEL score threshold >= 0.7, PMID: 27666373). To our knowledge, functional studies have not been performed for this variant. Whole-cell patch clamp experiments using transfected CHO cells have suggested that this variant may impact function (PMID: 18222468, 24920132). However, clinical relevance of these observations is not clear. This variant has been reported in individuals affected with sudden infant death syndrome (PMID: 17210839, 18222468) and long QT syndrome (PMID: 17470695). This variant has also been identified in 49/281866 chromosomes in the general population by the Genome Aggregation Database (gnomAD). The available evidence is insufficient to determine the role of this variant in disease conclusively. Therefore, this variant is classified as a Variant of Uncertain Significance.

This study involves interpretation of variants in research participants for the purpose of population health screening. Participant phenotype was not available at the time of variant classification. Additional details can be found in publication PMID: 35346344, PMCID: PMC8962531

GeneDx
Classification: Uncertain significance. Last evaluated: 2022-07-07. Review status: criteria provided, single submitter. Criteria: GeneDx Variant Classification Process June 2021. Collection method: clinical testing. Allele origin: germline. Affected: yes.
Comment: Published functional studies suggest the p.(I274V) variant may alter protein interactions under various experimental conditions; however, it is not known whether these findings are biological or clinically relevant in vivo (Rhodes et al., 2008), and one study showed the alterations were not statistically significant (Huang et al., 2021); In silico analysis supports that this missense variant does not alter protein structure/function; This variant is associated with the following publications: (PMID: 29197658, 35508187, 33600800, 25637381, 19490272, 19716085, 17999538, 17470695, 17210839, 30420954, 32048431, 31043699, 30615648, 29501667, 18222468, 23465283)

Laboratory for Molecular Medicine, Mass General Brigham Personalized Medicine
Classification: Uncertain significance. Last evaluated: 2020-04-07. Review status: criteria provided, single submitter. Criteria: LMM Criteria. Collection method: clinical testing. Allele origin: germline. Observed: 4 variant alleles.
Comment: Variant classified as Uncertain Significance - Favor Benign. The p.Ile274Val variant in KCNQ1 has been reported in the heterozygous state in 1 individual with hearing loss where another variant was not identified on the second copy of the KCNQ1 gene, in at least 1 individual with a prolonged QT interval, and 1 individual with sudden infant death syndrome (Moss 2007, Arnestad 2007, Kapplinger 2009, Amin 2012, Goldenberg 2011, LMM data). This variant has also been reported by other clinical laboratories in ClinVar (Variation ID 67109) and has been identified in 0.02% (30/126372) of European chromosomes and 0.06% (16/25754) of Finnish chromosomes, including 1 homozygote, by gnomAD. An in vitro patch-clamp study, in which p.Ile274Val was expressed in cultured mammalian cells, suggested that the variant may impact protein function (Rhodes 2008); ; however, these types of assays may not accurately represent biological function. Computational prediction tools and conservation analysis suggest that the p.Ile274Val variant may impact the protein, though this information is not predictive enough to determine pathogenicity. In summary, the clinical significance of the p.Ile274Val variant is uncertain. ACMG/AMP Criteria applied: PP3, PS3_Supporting.

Ambry Genetics
Classification: Likely benign for Cardiovascular phenotype. Last evaluated: 2020-03-28. Review status: criteria provided, single submitter. Criteria: Ambry Variant Classification Scheme 2023. Collection method: clinical testing. Allele origin: germline.

Illumina Laboratory Services, Illumina
Classification: Uncertain significance for Long QT syndrome 1. Last evaluated: 2017-12-12. Review status: criteria provided, single submitter. Criteria: ICSL Variant Classification Criteria 13 December 2019. Collection method: clinical testing. Allele origin: germline.
Comment: This variant was observed as part of a predisposition screen in an ostensibly healthy population. A literature search was performed for the gene, cDNA change, and amino acid change (where applicable). Publications were found based on this search. However, the evidence from the literature, in combination with allele frequency data from public databases where available, was not sufficient to rule this variant in or out of causing disease. Therefore, this variant is classified as a variant of unknown significance.